The following is an entry in ClinVar:

ClinVar aggregate classification (germline): Uncertain significance (1 of 4 stars; one submission).

Allele frequency attached by ClinVar (database versions not stated): gnomAD exomes below 0.00001; ExAC 0.00001; gnomAD 0.00001; TOPMed 0.00001.
gnomAD v4.1: 6 of 1,613,702 alleles (0.00037%); highest among the groups gnomAD compares: East Asian, 0.0022%; no homozygotes.

Submission:

Labcorp Genetics (formerly Invitae), Labcorp
Classification: Uncertain significance. Last evaluated: 2022-01-13. Review status: criteria provided, single submitter. Criteria: Invitae Variant Classification Sherloc (09022015). Collection method: clinical testing. Allele origin: germline.
Comment: This variant is present in population databases (rs776383533, gnomAD 0.002%). This sequence change replaces serine, which is neutral and polar, with phenylalanine, which is neutral and non-polar, at codon 116 of the LRP2 protein (p.Ser116Phe). In summary, the available evidence is currently insufficient to determine the role of this variant in disease. Therefore, it has been classified as a Variant of Uncertain Significance. Algorithms developed to predict the effect of missense changes on protein structure and function are either unavailable or do not agree on the potential impact of this missense change (SIFT: "Deleterious"; PolyPhen-2: "Possibly Damaging"; Align-GVGD: "Class C0"). This variant has not been reported in the literature in individuals affected with LRP2-related conditions.

NM_004525.3(LRP2):c.347C>T (p.Ser116Phe)

Gene: LRP2 (LDL receptor related protein 2; minus strand). Cytogenetic location: 2q31.1.
Variant type: single nucleotide variant.
Coding change: c.347C>T on transcript NM_004525.3 (MANE Select); coding-DNA position 347, C replaced by T.
Protein change: p.Ser116Phe; replaces serine 116 with phenylalanine.
Molecular consequence: missense variant.
Genome position (GRCh38, 1-based): chr2:169,307,361, G>A on the plus strand (C>T on the coding strand, the complement: LRP2 is on the minus strand). VCF-style: chr2-169307361-G-A. GRCh37 (hg19) VCF-style: chr2-170163871-G-A.
Other names: short protein forms S116F.
Identifiers: ClinVar variation 1510829 (VCV001510829.6), dbSNP rs776383533, ClinGen allele CA1955908.